The following is an entry in ClinVar:

ClinVar aggregate classification (germline): Likely benign (1 of 4 stars; one submission).

Conditions:
T-cell immunodeficiency, congenital alopecia, and nail dystrophy. Also called: Congenital alopecia and nail dystrophy associated with severe functional T-cell immunodeficiency; Pignata Guarino syndrome. Identifiers: Orphanet 169095, MedGen C1866426, MONDO:0011132, OMIM 601705.

Allele frequency attached by ClinVar (database versions not stated): 1000 Genomes Project 0.00060; 1000 Genomes Project 30x 0.00078; TOPMed 0.00103; gnomAD exomes 0.00123; gnomAD 0.00143 and 0.00146.
gnomAD v4.1: 222 of 157,228 alleles (0.14%); highest among the groups gnomAD compares: Non-Finnish European, 0.22%; no homozygotes.

Submission:

Illumina Laboratory Services, Illumina
Classification: Likely benign for T-cell immunodeficiency, congenital alopecia, and nail dystrophy. Last evaluated: 2018-01-12. Review status: criteria provided, single submitter. Criteria: ICSL Variant Classification Criteria 13 December 2019. Collection method: clinical testing. Allele origin: germline.
Comment: This variant was observed in the ICSL laboratory as part of a predisposition screen in an ostensibly healthy population. It had not been previously curated by ICSL or reported in the Human Gene Mutation Database (HGMD: prior to June 1st, 2018), and was therefore a candidate for classification through an automated scoring system. Utilizing variant allele frequency, disease prevalence and penetrance estimates, and inheritance mode, an automated score was calculated to assess if this variant is too frequent to cause the disease. Based on the score and internal cut-off values, a variant classified as likely benign is not then subjected to further curation. The score for this variant resulted in a classification of likely benign for this disease.

NM_001369369.1(FOXN1):c.*626G>C

Gene: FOXN1 (forkhead box N1; plus strand). Cytogenetic location: 17q11.2.
Variant type: single nucleotide variant.
Coding change: c.*626G>C on transcript NM_001369369.1 (MANE Select); 626 bases downstream of the stop codon, G replaced by C.
Molecular consequence: 3 prime UTR variant.
Genome position (GRCh38, 1-based): chr17:28,538,062, G>C. VCF-style: chr17-28538062-G-C. GRCh37 (hg19) VCF-style: chr17-26865080-G-C.
Other names: c.*626G>C (NM_003593.3).
Identifiers: ClinVar variation 322450 (VCV000322450.5), dbSNP rs528836565, ClinGen allele CA10648919.